The following is an entry in ClinVar:

NM_001849.4(COL6A2):c.1671+10_1671+11delinsGA

Gene: COL6A2 (collagen type VI alpha 2 chain; plus strand). Cytogenetic location: 21q22.3.
Variant type: Indel.
Coding change: c.1671+10_1671+11delinsGA on transcript NM_001849.4 (MANE Select); bases 10 to 11 of the intron after coding-DNA position 1671, AC replaced by GA.
Molecular consequence: intron variant.
Genome position (GRCh38, 1-based): chr21:46,122,947-46,122,948, AC replaced by GA. VCF-style: chr21-46122947-AC-GA. GRCh37 (hg19) VCF-style: chr21-47542861-AC-GA.
Other names: c.1671+10_1671+11delinsGA (NM_058175.3, NM_058174.3).
Identifiers: ClinVar variation 4700435 (VCV004700435.1).
Genomic context (GRCh38, chr21:46,122,947, plus strand): 5'-GACTTTGGCTTGAAAGGAGAACCTGGGAGGAAAGGAGAGAAAGGAGAGCCTGTGAGTGTC[AC>GA]CGTCCCGAAGCCCACAGCAGCTGGGCAGAGGCAGGGAGGGGCCCTGAGGCTGAGCGTGTG-3'

ClinVar aggregate classification (germline): Uncertain significance (1 of 4 stars; one submission).

Conditions:
Bethlem myopathy 1A. Also called: MYOPATHY, BENIGN CONGENITAL, WITH CONTRACTURES; Bethlem myopathy 1; Bethlem Muscular Dystrophy. Identifiers: Orphanet 610, MedGen CN029274, MONDO:0024530, OMIM 158810.

Submission:

Labcorp Genetics (formerly Invitae), Labcorp
Classification: Uncertain significance for Bethlem myopathy 1A. Last evaluated: 2026-01-02. Review status: criteria provided, single submitter. Criteria: Invitae Variant Classification Sherloc (09022015). Collection method: clinical testing. Allele origin: germline.
Comment: This sequence change falls in intron 21 of the COL6A2 gene. It does not directly change the encoded amino acid sequence of the COL6A2 protein. Information on the frequency of this variant in the gnomAD database is not available, as this variant may be reported differently in the database. This variant has not been reported in the literature in individuals affected with COL6A2-related conditions. Experimental studies and prediction algorithms are not available or were not evaluated, and the effect of this variant on mRNA splicing is currently unknown. In summary, the available evidence is currently insufficient to determine the role of this variant in disease. Therefore, it has been classified as a Variant of Uncertain Significance.